The following is an entry in ClinVar:

NM_018979.4(WNK1):c.5092G>A (p.Ala1698Thr)

Gene: WNK1 (WNK lysine deficient protein kinase 1; plus strand). Cytogenetic location: 12p13.33.
Variant type: single nucleotide variant.
Coding change: c.5092G>A on transcript NM_018979.4 (MANE Select); coding-DNA position 5092, G replaced by A.
Protein change: p.Ala1698Thr; replaces alanine 1698 with threonine.
Molecular consequence: missense variant.
Genome position (GRCh38, 1-based): chr12:885,896, G>A. VCF-style: chr12-885896-G-A. GRCh37 (hg19) VCF-style: chr12-995062-G-A.
Other names: c.5872G>A, p.Ala1958Thr (NM_001184985.2); c.4351G>A, p.Ala1451Thr (NM_014823.3); c.5848G>A, p.Ala1950Thr (NM_213655.5); short protein forms A1950T, A1451T, A1698T, A1958T.
Identifiers: ClinVar variation 4794370 (VCV004794370.1).

ClinVar aggregate classification (germline): Uncertain significance (1 of 4 stars; one submission).

Conditions:
Neuropathy, hereditary sensory and autonomic, type 2A (HSAN2A). Also called: ACROOSTEOLYSIS, GIACCAI TYPE; ACROOSTEOLYSIS, NEUROGENIC; MORVAN DISEASE; NEUROPATHY, CONGENITAL SENSORY; NEUROPATHY, HEREDITARY SENSORY RADICULAR, AUTOSOMAL RECESSIVE; NEUROPATHY, HEREDITARY SENSORY, TYPE IIA. Identifiers: Orphanet 970, MedGen C2752089, MONDO:0024309, OMIM 201300.
Pseudohypoaldosteronism type 2C (PHA2C). Also called: Pseudohypoaldosteronism Type IIC. Identifiers: Orphanet 757, Orphanet 88940, MedGen C1840391, MONDO:0013778, OMIM 614492.

Submission:

Labcorp Genetics (formerly Invitae), Labcorp
Classification: Uncertain significance for Neuropathy, hereditary sensory and autonomic, type 2A; Pseudohypoaldosteronism type 2C. Last evaluated: 2025-12-23. Review status: criteria provided, single submitter. Criteria: Invitae Variant Classification Sherloc (09022015). Collection method: clinical testing. Allele origin: germline.
Comment: This sequence change replaces alanine, which is neutral and non-polar, with threonine, which is neutral and polar, at codon 1950 of the WNK1 protein (p.Ala1950Thr). This variant is not present in population databases (gnomAD no frequency). This variant has not been reported in the literature in individuals affected with WNK1-related conditions. Invitae Evidence Modeling of protein sequence and biophysical properties (such as structural, functional, and spatial information, amino acid conservation, physicochemical variation, residue mobility, and thermodynamic stability) indicates that this missense variant is not expected to disrupt WNK1 protein function with a negative predictive value of 95%. In summary, the available evidence is currently insufficient to determine the role of this variant in disease. Therefore, it has been classified as a Variant of Uncertain Significance.